The following is an entry in ClinVar:

NM_016507.4(CDK12):c.3301G>T (p.Ala1101Ser)

Gene: CDK12 (cyclin dependent kinase 12; plus strand). Cytogenetic location: 17q12.
Variant type: single nucleotide variant.
Coding change: c.3301G>T on transcript NM_016507.4 (MANE Select); coding-DNA position 3301, G replaced by T.
Protein change: p.Ala1101Ser; replaces alanine 1101 with serine.
Molecular consequence: missense variant.
Genome position (GRCh38, 1-based): chr17:39,524,879, G>T. VCF-style: chr17-39524879-G-T. GRCh37 (hg19) VCF-style: chr17-37681132-G-T.
Other names: c.3301G>T, p.Ala1101Ser (NM_015083.4); short protein forms A1101S.
Identifiers: ClinVar variation 4224390 (VCV004224390.1).

ClinVar aggregate classification (germline): Uncertain significance (1 of 4 stars; one submission).

Submission:

Ambry Genetics
Classification: Uncertain significance. Last evaluated: 2025-08-15. Review status: criteria provided, single submitter. Criteria: Ambry Variant Classification Scheme 2023. Collection method: clinical testing. Allele origin: germline.
Comment: The p.A1101S variant (also known as c.3301G>T), located in coding exon 12 of the CDK12 gene, results from a G to T substitution at nucleotide position 3301. The alanine at codon 1101 is replaced by serine, an amino acid with similar properties. This amino acid position is conserved. In addition, this alteration is predicted to be tolerated by in silico analysis. Based on the available evidence, the clinical significance of this variant remains unclear.